The following is an entry in ClinVar:

NM_001101.5(ACTB):c.-23T>C

Gene: ACTB (actin beta; minus strand). Cytogenetic location: 7p22.1.
Variant type: single nucleotide variant.
Coding change: c.-23T>C on transcript NM_001101.5 (MANE Select); 23 bases upstream of the start codon, T replaced by C.
Molecular consequence: 5 prime UTR variant.
Genome position (GRCh38, 1-based): chr7:5,530,540, A>G on the plus strand (T>C on the coding strand, the complement: ACTB is on the minus strand). VCF-style: chr7-5530540-A-G. GRCh37 (hg19) VCF-style: chr7-5570171-A-G.
Other names: c.-23T>C (LRG_132t1).
Identifiers: ClinVar variation 389290 (VCV000389290.1), dbSNP rs1057523391, ClinGen allele CA16605331.

ClinVar aggregate classification (germline): Likely benign (1 of 4 stars; one submission).

Allele frequency attached by ClinVar (database versions not stated): gnomAD 0.00001 and 0.00003.
gnomAD v4.1: 2 of 151,784 alleles (0.0013%); highest among the groups gnomAD compares: Admixed American, 0.013%; no homozygotes.

Submission:

GeneDx
Classification: Likely benign. Last evaluated: 2016-09-13. Review status: criteria provided, single submitter. Criteria: GeneDx Variant Classification (06012015). Collection method: clinical testing. Allele origin: germline. Affected: yes.
Comment: This variant is considered likely benign or benign based on one or more of the following criteria: it is a conservative change, it occurs at a poorly conserved position in the protein, it is predicted to be benign by multiple in silico algorithms, and/or has population frequency not consistent with disease.